The following is an entry in ClinVar:

NM_001378120.1(MBD5):c.4750A>C (p.Ser1584Arg)

Gene: MBD5 (methyl-CpG binding domain protein 5; plus strand). Cytogenetic location: 2q23.1.
Variant type: single nucleotide variant.
Coding change: c.4750A>C on transcript NM_001378120.1 (MANE Select); coding-DNA position 4750, A replaced by C.
Protein change: p.Ser1584Arg; replaces serine 1584 with arginine.
Molecular consequence: missense variant.
Genome position (GRCh38, 1-based): chr2:148,490,382, A>C. VCF-style: chr2-148490382-A-C. GRCh37 (hg19) VCF-style: chr2-149247951-A-C.
Other names: c.4051A>C, p.Ser1351Arg (NM_018328.5); short protein forms S1351R, S1584R.
Identifiers: ClinVar variation 1710831 (VCV001710831.2), dbSNP rs2470029958, ClinGen allele CA348730992.

ClinVar aggregate classification (germline): Uncertain significance (1 of 4 stars; one submission).

Submission:

GeneDx
Classification: Uncertain significance. Last evaluated: 2022-04-15. Review status: criteria provided, single submitter. Criteria: GeneDx Variant Classification Process June 2021. Collection method: clinical testing. Allele origin: germline. Affected: yes.
Comment: Not observed at significant frequency in large population cohorts (gnomAD); In silico analysis supports that this missense variant does not alter protein structure/function; Has not been previously published as pathogenic or benign to our knowledge